The following is an entry in ClinVar:

NM_018489.3(ASH1L):c.491del (p.Arg164fs)

Gene: ASH1L (ASH1 like histone lysine methyltransferase; minus strand). Cytogenetic location: 1q22.
Variant type: Deletion.
Coding change: c.491del on transcript NM_018489.3 (MANE Select); coding-DNA position 491, one base deleted (G; older notation c.491delG).
Protein change: p.Arg164fs; shifts the reading frame from arginine 164.
Molecular consequence: frameshift variant.
Genome position (GRCh38, 1-based): chr1:155,482,379, C deleted on the plus strand (G on the coding strand, the reverse complement: ASH1L is on the minus strand). VCF-style (leftmost placement, unchanged base first): chr1-155482378-AC-A. GRCh37 (hg19) VCF-style: chr1-155452169-AC-A.
Other names: c.491del, p.Arg164fs (NM_001366177.2); short protein forms R164fs.
Identifiers: ClinVar variation 1710352 (VCV001710352.4), dbSNP rs2527210571, ClinGen allele CA2580061136.

ClinVar aggregate classification (germline): Pathogenic (1 of 4 stars; one submission).

Conditions:
Intellectual developmental disorder, autosomal dominant 52. Also called: Intellectual disability, autosomal dominant 52; Mental retardation, autosomal dominant 52. Identifiers: MedGen C4540478, MONDO:0030918, OMIM 617796.

Submission:

Greenwood Genetic Center Diagnostic Laboratories, Greenwood Genetic Center
Classification: Pathogenic for Intellectual developmental disorder, autosomal dominant 52. Last evaluated: 2023-01-18. Review status: criteria provided, single submitter. Criteria: ACMG Guidelines, 2015. Collection method: clinical testing. Allele origin: germline. Affected: yes.
Comment: PVS1, PM2, PM6